The following is an entry in ClinVar:

NM_004329.3(BMPR1A):c.1401C>T (p.Tyr467=)

Gene: BMPR1A (bone morphogenetic protein receptor type 1A; plus strand). Cytogenetic location: 10q23.2.
Variant type: single nucleotide variant.
Coding change: c.1401C>T on transcript NM_004329.3 (MANE Select); coding-DNA position 1401, C replaced by T.
Protein change: p.Tyr467=; no amino-acid change (tyrosine 467 retained).
Molecular consequence: synonymous variant.
Genome position (GRCh38, 1-based): chr10:86,923,434, C>T. VCF-style: chr10-86923434-C-T. GRCh37 (hg19) VCF-style: chr10-88683191-C-T.
Identifiers: ClinVar variation 230611 (VCV000230611.26), dbSNP rs149787558, ClinGen allele CA5585710.

ClinVar aggregate classification (germline): Benign/Likely benign. Review status: criteria provided, multiple submitters, no conflicts (2 of 4 stars). 9 submissions from 9 submitters: Benign (1); Likely benign (8). Last evaluated 2026-01-05.

Conditions:
Juvenile polyposis syndrome (JPS). Identifiers: Orphanet 2929, MedGen C0345893, MONDO:0017380, OMIM 174900.
Hereditary cancer-predisposing syndrome. Also called: Hereditary Cancer Syndrome; Neoplastic Syndromes, Hereditary; Tumor predisposition; Hereditary neoplastic syndrome. Identifiers: Orphanet 140162, MedGen C0027672, MeSH D009386, MONDO:0015356.
Pulmonary arterial hypertension. Identifiers: Orphanet 182090, MedGen C2973725, MeSH D000081029, MONDO:0015924, HP:0002092.

Allele frequency attached by ClinVar (database versions not stated): gnomAD exomes 0.00002 and 0.00003; TOPMed 0.00003; gnomAD 0.00004 and 0.00005; ExAC 0.00005; ESP Exome Variant Server 0.00008; 1000 Genomes Project 0.00020.
gnomAD v4.1: 33 of 1,614,142 alleles (0.002%); highest among the groups gnomAD compares: East Asian, 0.016%; no homozygotes.

Submissions (9):

Labcorp Genetics (formerly Invitae), Labcorp
Classification: Likely benign for Juvenile polyposis syndrome. Last evaluated: 2026-01-05. Review status: criteria provided, single submitter. Criteria: Invitae Variant Classification Sherloc (09022015). Collection method: clinical testing. Allele origin: germline.

Quest Diagnostics Nichols Institute San Juan Capistrano
Classification: Likely benign. Last evaluated: 2025-04-28. Review status: criteria provided, single submitter. Criteria: Quest Diagnostics criteria. Collection method: clinical testing. Allele origin: unknown.

Department of Pathology and Laboratory Medicine, Sinai Health System
Classification: Likely benign for pulmonary arterial hypertension. Last evaluated: 2024-12-05. Review status: criteria provided, single submitter. Criteria: ACMG Guidelines, 2015. Collection method: clinical testing. Allele origin: germline.

Myriad Genetics, Inc.
Classification: Benign for Juvenile polyposis syndrome. Last evaluated: 2024-08-08. Review status: criteria provided, single submitter. Criteria: Myriad Autosomal Dominant, Autosomal Recessive and X-Linked Classification Criteria (2023). Collection method: clinical testing. Allele origin: unknown.
Comment: This variant is considered benign. This variant is a silent/synonymous amino acid change and it is not expected to impact splicing.

All of Us Research Program, National Institutes of Health
Classification: Likely benign for Juvenile polyposis syndrome. Last evaluated: 2023-12-01. Review status: criteria provided, single submitter. Criteria: ACMG Guidelines, 2015. Collection method: clinical testing. Allele origin: germline. Inheritance: Autosomal dominant inheritance. Observed: 7 variant alleles, 7 heterozygotes.
Comment: This study involves interpretation of variants in research participants for the purpose of population health screening. Participant phenotype was not available at the time of variant classification. Additional details can be found in publication PMID: 35346344, PMCID: PMC8962531

GeneDx
Classification: Likely benign. Last evaluated: 2022-03-18. Review status: criteria provided, single submitter. Criteria: GeneDx Variant Classification Process June 2021. Collection method: clinical testing. Allele origin: germline. Affected: yes.

Women's Health and Genetics/Laboratory Corporation of America, LabCorp
Classification: Likely benign. Last evaluated: 2019-07-17. Review status: criteria provided, single submitter. Criteria: LabCorp Variant Classification Summary - May 2015. Collection method: clinical testing. Allele origin: germline.

Color Diagnostics, LLC DBA Color Health
Classification: Likely benign for Hereditary cancer-predisposing syndrome. Last evaluated: 2017-09-16. Review status: criteria provided, single submitter. Criteria: ACMG Guidelines, 2015. Collection method: clinical testing. Allele origin: germline.

Ambry Genetics
Classification: Likely benign for Hereditary cancer-predisposing syndrome. Last evaluated: 2015-03-03. Review status: criteria provided, single submitter. Criteria: Ambry Variant Classification Scheme 2023. Collection method: clinical testing. Allele origin: germline.